The following is an entry in ClinVar:

NM_001349338.3(FOXP1):c.1217C>G (p.Thr406Ser)

Gene: FOXP1 (forkhead box P1; minus strand). Cytogenetic location: 3p13.
Variant type: single nucleotide variant.
Coding change: c.1217C>G on transcript NM_001349338.3 (MANE Select); coding-DNA position 1217, C replaced by G.
Protein change: p.Thr406Ser; replaces threonine 406 with serine.
Molecular consequence: missense variant. On other transcripts: non-coding transcript variant (2).
Genome position (GRCh38, 1-based): chr3:70,977,959, G>C on the plus strand (C>G on the coding strand, the complement: FOXP1 is on the minus strand). VCF-style: chr3-70977959-G-C. GRCh37 (hg19) VCF-style: chr3-71027110-G-C.
Other names: c.1217C>G, p.Thr406Ser (NM_001244808.3, NM_001244810.2, NM_001244814.3 and 3 more transcripts); c.989C>G, p.Thr330Ser (NM_001244812.3); c.917C>G, p.Thr306Ser (NM_001244813.3, NM_001244815.2, NM_001349342.3 and 1 more transcripts); c.914C>G, p.Thr305Ser (NM_001349337.2, NM_001349343.3, NM_001349344.3); c.1214C>G, p.Thr405Ser (NM_001349341.3); short protein forms T406S, T330S, T405S, T305S, T306S.
Identifiers: ClinVar variation 346646 (VCV000346646.40), dbSNP rs200355554, ClinGen allele CA2491056.

ClinVar aggregate classification (germline): Conflicting classifications of pathogenicity. Review status: criteria provided, conflicting classifications (1 of 4 stars). 7 submissions from 7 submitters: Uncertain significance (2); Likely benign (5). Last evaluated 2026-09-24.

Conditions:
FOXP1-related disorder. Also called: FOXP1-related condition.
Inborn genetic diseases. Identifiers: MedGen C0950123, MeSH D030342.

Allele frequency attached by ClinVar (database versions not stated): TOPMed 0.00015; gnomAD 0.00016; 1000 Genomes Project 0.00020; 1000 Genomes Project 30x 0.00031; gnomAD exomes 0.00031 and 0.00013; ESP Exome Variant Server 0.00008; ExAC 0.00010.
gnomAD v4.1: 459 of 1,614,196 alleles (0.028%); highest among the groups gnomAD compares: Non-Finnish European, 0.038%; no homozygotes.

Submissions (7):

PreventionGenetics, part of Exact Sciences
Classification: Likely benign for FOXP1-related condition. Last evaluated: 2026-09-24. Review status: criteria provided, single submitter. Criteria: ACMG Guidelines, 2015. Collection method: clinical testing. Allele origin: germline.
Comment: This variant is classified as likely benign based on ACMG/AMP sequence variant interpretation guidelines (Richards et al. 2015 PMID: 25741868, with internal and published modifications).

Labcorp Genetics (formerly Invitae), Labcorp
Classification: Likely benign. Last evaluated: 2025-12-05. Review status: criteria provided, single submitter. Criteria: Invitae Variant Classification Sherloc (09022015). Collection method: clinical testing. Allele origin: germline.

Ambry Genetics
Classification: Likely benign for Inborn genetic diseases. Last evaluated: 2025-04-28. Review status: criteria provided, single submitter. Criteria: Ambry Variant Classification Scheme 2023. Collection method: clinical testing. Allele origin: germline.

Blueprint Genetics
Classification: Likely benign. Last evaluated: 2024-11-06. Review status: criteria provided, single submitter. Criteria: ACMG Guidelines, 2015. Collection method: clinical testing. Allele origin: germline.

CeGaT Center for Human Genetics Tuebingen
Classification: Uncertain significance. Last evaluated: 2023-01-01. Review status: criteria provided, single submitter. Criteria: CeGaT Center For Human Genetics Tuebingen Variant Classification Criteria Version 2. Collection method: clinical testing. Allele origin: germline. Affected: yes. Observed: 1 variant allele.

GeneDx
Classification: Likely benign. Last evaluated: 2021-01-06. Review status: criteria provided, single submitter. Criteria: GeneDx Variant Classification Process June 2021. Collection method: clinical testing. Allele origin: germline. Affected: yes.
Comment: In silico analysis, which includes protein predictors and evolutionary conservation, supports that this variant does not alter protein structure/function; Has not been previously published as pathogenic or benign to our knowledge

Genetic Services Laboratory, University of Chicago
Classification: Uncertain significance. Last evaluated: 2016-08-09. Review status: criteria provided, single submitter. Criteria: ACMG Guidelines, 2015. Collection method: clinical testing. Allele origin: germline. Affected: no.